The following is an entry in ClinVar:

NM_024675.4(PALB2):c.2932G>A (p.Val978Ile)

Gene: PALB2 (partner and localizer of BRCA2; minus strand). Cytogenetic location: 16p12.2.
Variant type: single nucleotide variant.
Coding change: c.2932G>A on transcript NM_024675.4 (MANE Select); coding-DNA position 2932, G replaced by A.
Protein change: p.Val978Ile; replaces valine 978 with isoleucine.
Molecular consequence: missense variant.
Genome position (GRCh38, 1-based): chr16:23,623,033, C>T on the plus strand (G>A on the coding strand, the complement: PALB2 is on the minus strand). VCF-style: chr16-23623033-C-T. GRCh37 (hg19) VCF-style: chr16-23634354-C-T.
Other names: short protein forms V978I.
Identifiers: ClinVar variation 999247 (VCV000999247.12), dbSNP rs1966801130, ClinGen allele CA395144154.
Genomic context (GRCh38, chr16:23,623,033, plus strand): 5'-CATCTTCTGCAAACGTCATGACTTCTACTTGTTGATCAGAAAGGGTCCCACTGCTACTAA[C>T]TAGCCTCCTCTTTGTCAGGCCAAGCACAGCTTTTATATTTCCAGACTTCAGTAGTACTTG-3'
Protein context (NP_078951.2, residues 968-988): AVLGLTKRRL[Val978Ile]SSSGTLSDQQ

ClinVar aggregate classification (germline): Uncertain significance. Review status: criteria provided, multiple submitters, no conflicts (2 of 4 stars). 3 submissions from 3 submitters: Uncertain significance (3). Last evaluated 2025-08-11.

Conditions:
Hereditary cancer-predisposing syndrome. Also called: Neoplastic Syndromes, Hereditary; Tumor predisposition; Hereditary Cancer Syndrome; Hereditary neoplastic syndrome. Identifiers: Orphanet 140162, MedGen C0027672, MeSH D009386, MONDO:0015356.
Familial cancer of breast. Also called: Hereditary breast cancer; hereditary breast carcinoma; BREAST CANCER, FAMILIAL. Identifiers: Orphanet 227535, MedGen C0346153, MONDO:0016419, OMIM 114480. Disease mechanism: loss of function.

Submissions (3):

Labcorp Genetics (formerly Invitae), Labcorp
Classification: Uncertain significance for Familial cancer of breast. Last evaluated: 2025-08-11. Review status: criteria provided, single submitter. Criteria: Invitae Variant Classification Sherloc (09022015). Collection method: clinical testing. Allele origin: germline.
Comment: This sequence change replaces valine, which is neutral and non-polar, with isoleucine, which is neutral and non-polar, at codon 978 of the PALB2 protein (p.Val978Ile). This variant is not present in population databases (gnomAD no frequency). This variant has not been reported in the literature in individuals affected with PALB2-related conditions. ClinVar contains an entry for this variant (Variation ID: 999247). Invitae Evidence Modeling of protein sequence and biophysical properties (such as structural, functional, and spatial information, amino acid conservation, physicochemical variation, residue mobility, and thermodynamic stability) indicates that this missense variant is not expected to disrupt PALB2 protein function with a negative predictive value of 80%. In summary, the available evidence is currently insufficient to determine the role of this variant in disease. Therefore, it has been classified as a Variant of Uncertain Significance.

Ambry Genetics
Classification: Uncertain significance for Hereditary cancer-predisposing syndrome. Last evaluated: 2023-02-05. Review status: criteria provided, single submitter. Criteria: Ambry Variant Classification Scheme 2023. Collection method: clinical testing. Allele origin: germline.
Comment: The p.V978I variant (also known as c.2932G>A), located in coding exon 9 of the PALB2 gene, results from a G to A substitution at nucleotide position 2932. The valine at codon 978 is replaced by isoleucine, an amino acid with highly similar properties. This amino acid position is conserved. In addition, this alteration is predicted to be tolerated by in silico analysis. Since supporting evidence is limited at this time, the clinical significance of this alteration remains unclear.

GeneDx
Classification: Uncertain significance. Last evaluated: 2020-12-04. Review status: criteria provided, single submitter. Criteria: GeneDx Variant Classification Process June 2021. Collection method: clinical testing. Allele origin: germline. Affected: yes.
Comment: Not observed in large population cohorts (Lek 2016); In silico analysis supports that this missense variant does not alter protein structure/function; Has not been previously published as pathogenic or benign to our knowledge